The following is an entry in ClinVar:

ClinVar aggregate classification (germline): Pathogenic (1 of 4 stars; one submission).

Conditions:
Familial hypocalciuric hypercalcemia (FHH). Also called: Familial benign hypercalcemia. Identifiers: Orphanet 405, MedGen C1809471, MONDO:0018458.
Autosomal dominant hypocalcemia 1 (HYPOC1). Also called: HYPOCALCEMIA, FAMILIAL. Identifiers: MedGen C3715128, MONDO:0011013, OMIM 601198.

Submission:

Labcorp Genetics (formerly Invitae), Labcorp
Classification: Pathogenic for Familial hypocalciuric hypercalcemia; Autosomal dominant hypocalcemia 1. Last evaluated: 2025-11-13. Review status: criteria provided, single submitter. Criteria: Invitae Variant Classification Sherloc (09022015). Collection method: clinical testing. Allele origin: germline.
Comment: This sequence change creates a premature translational stop signal (p.Lys805Asnfs*32) in the CASR gene. While this is not anticipated to result in nonsense mediated decay, it is expected to disrupt the last 274 amino acid(s) of the CASR protein. This variant is not present in population databases (gnomAD no frequency). This variant has not been reported in the literature in individuals affected with CASR-related conditions. ClinVar contains an entry for this variant (Variation ID: 1066835). This variant disrupts a region of the CASR protein in which other variant(s) (p.Lys882fs) have been determined to be pathogenic (PMID: 7717399, 9109436, 9217223, 20374733). This suggests that this is a clinically significant region of the protein, and that variants that disrupt it are likely to be disease-causing. For these reasons, this variant has been classified as Pathogenic.

Literature cited by the submitters: PubMed 7717399; PubMed 9109436; PubMed 9217223; PubMed 20374733.

NM_000388.4(CASR):c.2415del (p.Lys805fs)

Gene: CASR (calcium sensing receptor; plus strand). Cytogenetic location: 3q21.1.
Variant type: Deletion.
Coding change: c.2415del on transcript NM_000388.4 (MANE Select); coding-DNA position 2415, one base deleted (G; older notation c.2415delG).
Protein change: p.Lys805fs; shifts the reading frame from lysine 805.
Molecular consequence: frameshift variant.
Genome position (GRCh38, 1-based): chr3:122,284,369, G deleted. VCF-style (leftmost placement, unchanged base first): chr3-122284368-AG-A. GRCh37 (hg19) VCF-style: chr3-122003215-AG-A.
Other names: c.2445del, p.Lys815fs (NM_001178065.2); short protein forms K805fs, K815fs.
Identifiers: ClinVar variation 1066835 (VCV001066835.9), dbSNP rs2107650472, ClinGen allele CA2499216414.
Genomic context (GRCh38, chr3:122,284,368, plus strand): 5'-CCATCTGCTTCTTCTTTGCCTTCAAGTCCCGGAAGCTGCCGGAGAACTTCAATGAAGCCA[AG>A]TTCATCACCTTCAGCATGCTCATCTTCTTCATCGTCTGGATCTCCTTCATTCCAGCCTAT-3'